The following is an entry in ClinVar:

NM_024685.4(BBS10):c.402A>G (p.Leu134=)

Gene: BBS10 (Bardet-Biedl syndrome 10; minus strand). Cytogenetic location: 12q21.2.
Variant type: single nucleotide variant.
Coding change: c.402A>G on transcript NM_024685.4 (MANE Select); coding-DNA position 402, A replaced by G.
Protein change: p.Leu134=; no amino-acid change (leucine 134 retained).
Molecular consequence: synonymous variant.
Genome position (GRCh38, 1-based): chr12:76,347,583, T>C on the plus strand (A>G on the coding strand, the complement: BBS10 is on the minus strand). VCF-style: chr12-76347583-T-C. GRCh37 (hg19) VCF-style: chr12-76741363-T-C.
Other names: c.402A>G (NM_024685.3).
Identifiers: ClinVar variation 1129113 (VCV001129113.10), dbSNP rs762331843, ClinGen allele CA6694356.

ClinVar aggregate classification (germline): Likely benign. Review status: criteria provided, multiple submitters, no conflicts (2 of 4 stars). 4 submissions from 4 submitters: Likely benign (3). 1 of the submissions does not count toward it. Last evaluated 2025-12-28.

Conditions:
Bardet-Biedl syndrome (BBS). Identifiers: Orphanet 110, MedGen C0752166, MONDO:0015229.
BBS10-related disorder. Also called: BBS10-related condition.
Bardet-Biedl syndrome 10 (BBS10). Identifiers: Orphanet 110, MedGen C1859568, MONDO:0014438, OMIM 615987.

Allele frequency attached by ClinVar (database versions not stated): gnomAD exomes 0.00001 and 0.00002; ExAC 0.00002; gnomAD 0.00002; TOPMed 0.00002.
gnomAD v4.1: 13 of 1,613,716 alleles (0.00081%); highest among the groups gnomAD compares: South Asian, 0.0033%; no homozygotes.

Submissions (4):

Labcorp Genetics (formerly Invitae), Labcorp
Classification: Likely benign for Bardet-Biedl syndrome. Last evaluated: 2025-12-28. Review status: criteria provided, single submitter. Criteria: Invitae Variant Classification Sherloc (09022015). Collection method: clinical testing. Allele origin: germline.

Fulgent Genetics
Classification: Likely benign for Bardet-Biedl syndrome 10. Last evaluated: 2022-02-10. Review status: criteria provided, single submitter. Criteria: ACMG Guidelines, 2015. Collection method: clinical testing. Allele origin: unknown.

Blueprint Genetics
Classification: Likely benign. Last evaluated: 2019-11-07. Review status: criteria provided, single submitter. Criteria: ACMG Guidelines, 2015. Collection method: clinical testing. Allele origin: germline.

PreventionGenetics, part of Exact Sciences
Classification: Likely benign for BBS10-related condition. Last evaluated: 2021-12-08. Review status: no assertion criteria provided. Collection method: clinical testing. Allele origin: germline. Not counted in ClinVar's aggregate classification.
Comment: This variant is classified as likely benign based on ACMG/AMP sequence variant interpretation guidelines (Richards et al. 2015 PMID: 25741868, with internal and published modifications).